The following is an entry in ClinVar:

GRCh37/hg19 14q13.1-13.3(chr14:34585231-37477843)x1

Genes: PSMA6 (proteasome 20S subunit alpha 6; plus strand), PTCSC3 (papillary thyroid carcinoma susceptibility candidate 3; minus strand), SLC25A21 (solute carrier family 25 member 21; minus strand), SNX6 (sorting nexin 6; minus strand), SPTSSA (serine palmitoyltransferase small subunit A; minus strand) and 16 more. Cytogenetic location: 14q13.1-13.3.
Variant type: copy number loss.
Change: copy number 1 (one copy instead of two) of chr14:34,585,231-37,477,843 (2.89 Mb, GRCh37 coordinates, 1-based), cytogenetic band 14q13.1-13.3.
Identifiers: ClinVar variation 2685482 (VCV002685482.1).

ClinVar aggregate classification (germline): Pathogenic (1 of 4 stars; one submission).

Submission:

Quest Diagnostics Nichols Institute San Juan Capistrano
Classification: Pathogenic. Last evaluated: 2023-05-02. Review status: criteria provided, single submitter. Criteria: ACMG/ClinGen CNV Guidelines, 2019. Collection method: clinical testing. Allele origin: unknown.
Comment: This loss falls within the larger chromosome 14q11-q22 deletion syndromic region and involves multiple protein-coding genes. Haploinsufficiency of PAX9 is associated with autosomal dominant selective tooth agenesis-3 (OMIM 604625). Additionally, haploinsufficiency of NKX2-1 is associated with autosomal dominant NKX2-1-related disorders, which can range from benign hereditary chorea (OMIM 118700) to brain-lung-thyroid syndrome (OMIM 610978, Patel and Jankovic (GeneReviews), Prasad 2019, Villafuerte 2018). Hemizygous deletions overlapping the current interval have been reported in a number of affected individuals (Caliebe 2011, Gentile 2016, Hu 2019, Petek 2003, Ponzi 2020, Santen 2012, Shimojima 2009, Villafuerte 2018). There are no similar copy number losses of this region in the general populations of the Database of Genomic Variants. Therefore, this copy number variant (CNV) is classified as pathogenic. References:_x000D__x000D_ Caliebe et al., Eur J Med Genet. 2011 Sep-Oct;54(5):e505-9. PMID: 21736959_x000D__x000D_ Gentile et al., Am J Med Genet A. 2016 Jul;170(7):1884-8. PMID: 27148860_x000D__x000D_ Hu et al., Mol Cytogenet. 2019 Dec 19;12:51. PMID: 31890031_x000D__x000D_ Patel and Jankovic, GeneReviews. 2016 Jul. PMID:Â 24555207_x000D__x000D_ Petek et al., J Med Genet. 2003 Apr;40(4):e47. PMID: 12676920_x000D__x000D_ Ponzi et al., Mol Genet Genomic Med. 2020 Jul;8(7):e1289. PMID: 32415730_x000D__x000D_ Santen et al., J Med Genet. 2012 Jun;49(6):366-72. PMID: 22636604_x000D__x000D_ Shimojima et al., Genomics. 2009 Dec;94(6):414-22. PMID: 19733229_x000D__x000D_ Villafuerte et al., Eur J Med Genet. 2018 Jul;61(7):393-398. PMID: 29477862_x000D__x000D_